The following is an entry in ClinVar:

ClinVar aggregate classification (germline): Uncertain significance (1 of 4 stars; one submission).

Conditions:
Monocytopenia with susceptibility to infections. Also called: MONOCYTOPENIA AND MYCOBACTERIAL INFECTION SYNDROME; MONOCYTOPENIA WITH SUSCEPTIBILITY TO MYCOBACTERIAL, FUNGAL, AND PAPILLOMAVIRUS INFECTIONS AND MYELODYSPLASIA; COMBINED IMMUNODEFICIENCY WITH SUSCEPTIBILITY TO MYCOBACTERIAL, VIRAL, AND FUNGAL INFECTIONS; IMMUNODEFICIENCY 21; GATA2 DEFICIENCY; Dendritic cell, monocyte, B lymphocyte, and natural killer lymphocyte deficiency. Identifiers: Orphanet 228423, MedGen C3280030, MONDO:0013607, OMIM 614172.
Deafness-lymphedema-leukemia syndrome. Also called: Emberger syndrome; Lymphedema, primary, with myelodysplasia. Identifiers: Orphanet 3226, MedGen C3279664, MONDO:0013540, OMIM 614038.

Allele frequency attached by ClinVar (database versions not stated): gnomAD exomes below 0.00001.
gnomAD v4.1: 2 of 1,612,754 alleles (0.00012%); highest among the groups gnomAD compares: Non-Finnish European, 0.00017%; no homozygotes.

Submission:

Labcorp Genetics (formerly Invitae), Labcorp
Classification: Uncertain significance for Monocytopenia with susceptibility to infections; Deafness-lymphedema-leukemia syndrome. Last evaluated: 2019-03-03. Review status: criteria provided, single submitter. Criteria: Invitae Variant Classification Sherloc (09022015). Collection method: clinical testing. Allele origin: germline.
Comment: This sequence change replaces valine with glycine at codon 47 of the GATA2 protein (p.Val47Gly). The valine residue is moderately conserved and there is a moderate physicochemical difference between valine and glycine. This variant is not present in population databases (ExAC no frequency). This variant has not been reported in the literature in individuals with GATA2-related conditions. Algorithms developed to predict the effect of missense changes on protein structure and function are either unavailable or do not agree on the potential impact of this missense change (SIFT: "Deleterious"; PolyPhen-2: "Probably Damaging"; Align-GVGD: "Class C0"). In summary, the available evidence is currently insufficient to determine the role of this variant in disease. Therefore, it has been classified as a Variant of Uncertain Significance.

NM_032638.5(GATA2):c.140T>G (p.Val47Gly)

Gene: GATA2 (GATA binding protein 2; minus strand). Cytogenetic location: 3q21.3.
Variant type: single nucleotide variant.
Coding change: c.140T>G on transcript NM_032638.5 (MANE Select); coding-DNA position 140, T replaced by G.
Protein change: p.Val47Gly; replaces valine 47 with glycine.
Molecular consequence: missense variant.
Genome position (GRCh38, 1-based): chr3:128,486,892, A>C on the plus strand (T>G on the coding strand, the complement: GATA2 is on the minus strand). VCF-style: chr3-128486892-A-C. GRCh37 (hg19) VCF-style: chr3-128205735-A-C.
Other names: c.140T>G, p.Val47Gly (NM_001145661.2, NM_001145662.1); short protein forms V47G.
Identifiers: ClinVar variation 859425 (VCV000859425.9), dbSNP rs2068708769, ClinGen allele CA354408682.
Genomic context (GRCh38, chr3:128,486,892, plus strand): 5'-CGCGCGTGAGCGGGGTTGGCATAGTAGGGGTTGCCCTGCGAGTCGAGGTGATTGAAGAAG[A>C]CGTCCACCTCGTCTGGAGGCAGCAGCTGCGCGGGTTCCATGTAGTTGTGCGCCAGGCCCG-3'
Protein context (NP_116027.2, residues 37-57): AQLLPPDEVD[Val47Gly]FFNHLDSQGN